The following is an entry in ClinVar:

NM_014484.5(MOCS3):c.290T>C (p.Leu97Pro)

Gene: MOCS3 (molybdenum cofactor synthesis 3; plus strand). Cytogenetic location: 20q13.13.
Variant type: single nucleotide variant.
Coding change: c.290T>C on transcript NM_014484.5 (MANE Select); coding-DNA position 290, T replaced by C.
Protein change: p.Leu97Pro; replaces leucine 97 with proline.
Molecular consequence: missense variant.
Genome position (GRCh38, 1-based): chr20:50,959,132, T>C. VCF-style: chr20-50959132-T-C. GRCh37 (hg19) VCF-style: chr20-49575669-T-C.
Other names: short protein forms L97P.
Identifiers: ClinVar variation 3190382 (VCV003190382.2), dbSNP rs747042047, ClinGen allele CA9909378.

ClinVar aggregate classification (germline): Uncertain significance. Review status: criteria provided, multiple submitters, no conflicts (2 of 4 stars). 2 submissions from 2 submitters: Uncertain significance (2). Last evaluated 2025-03-19.

Allele frequency attached by ClinVar (database versions not stated): gnomAD exomes below 0.00001; ExAC 0.00001; TOPMed 0.00001; gnomAD 0.00003.

Submissions (2):

Labcorp Genetics (formerly Invitae), Labcorp
Classification: Uncertain significance. Last evaluated: 2025-03-19. Review status: criteria provided, single submitter. Criteria: Invitae Variant Classification Sherloc (09022015). Collection method: clinical testing. Allele origin: germline.
Comment: This sequence change replaces leucine, which is neutral and non-polar, with proline, which is neutral and non-polar, at codon 97 of the MOCS3 protein (p.Leu97Pro). This variant is present in population databases (rs747042047, gnomAD 0.02%). This variant has not been reported in the literature in individuals affected with MOCS3-related conditions. ClinVar contains an entry for this variant (Variation ID: 3190382). An algorithm developed to predict the effect of missense changes on protein structure and function (PolyPhen-2) suggests that this variant is likely to be disruptive. In summary, the available evidence is currently insufficient to determine the role of this variant in disease. Therefore, it has been classified as a Variant of Uncertain Significance.

Ambry Genetics
Classification: Uncertain significance. Last evaluated: 2023-09-23. Review status: criteria provided, single submitter. Criteria: Ambry Variant Classification Scheme 2023. Collection method: clinical testing. Allele origin: germline.